The following is an entry in ClinVar:

ClinVar aggregate classification (germline): Conflicting classifications of pathogenicity. Review status: criteria provided, conflicting classifications (1 of 4 stars). 2 submissions from 2 submitters: Uncertain significance (1); Likely benign (1). Last evaluated 2025-11-16.

Conditions:
Cyclical neutropenia. Also called: Cyclic hematopoiesis; Cyclic Neutropenia. Identifiers: Orphanet 2686, MedGen C0221023, MONDO:0008090, OMIM 162800, HP:0040289. Disease mechanism: loss of function.
Neutropenia, severe congenital, 1, autosomal dominant. Identifiers: MedGen C1859966, MONDO:0042490, OMIM 202700.

Allele frequency attached by ClinVar (database versions not stated): gnomAD 0.00001; gnomAD exomes 0.00001 and 0.00002; TOPMed 0.00001; ExAC 0.00003.

Submissions (2):

Labcorp Genetics (formerly Invitae), Labcorp
Classification: Uncertain significance for Neutropenia, severe congenital, 1, autosomal dominant; Cyclical neutropenia. Last evaluated: 2025-11-16. Review status: criteria provided, single submitter. Criteria: Invitae Variant Classification Sherloc (09022015). Collection method: clinical testing. Allele origin: germline.
Comment: This sequence change replaces leucine, which is neutral and non-polar, with phenylalanine, which is neutral and non-polar, at codon 7 of the ELANE protein (p.Leu7Phe). This variant is present in population databases (rs771000673, gnomAD 0.04%). This variant has not been reported in the literature in individuals affected with ELANE-related conditions. ClinVar contains an entry for this variant (Variation ID: 1061923). Invitae Evidence Modeling of protein sequence and biophysical properties (such as structural, functional, and spatial information, amino acid conservation, physicochemical variation, residue mobility, and thermodynamic stability) has been performed for this missense variant. However, the output from this modeling did not meet the statistical confidence thresholds required to predict the impact of this variant on ELANE protein function. In summary, the available evidence is currently insufficient to determine the role of this variant in disease. Therefore, it has been classified as a Variant of Uncertain Significance.

CeGaT Center for Human Genetics Tuebingen
Classification: Likely benign. Last evaluated: 2024-08-01. Review status: criteria provided, single submitter. Criteria: CeGaT Center For Human Genetics Tuebingen Variant Classification Criteria Version 2. Collection method: clinical testing. Allele origin: germline. Affected: yes. Observed: 1 variant allele.
Comment: ELANE: BP4

NM_001972.4(ELANE):c.19C>T (p.Leu7Phe)

Gene: ELANE (elastase, neutrophil expressed; plus strand). Cytogenetic location: 19p13.3.
Variant type: single nucleotide variant.
Coding change: c.19C>T on transcript NM_001972.4 (MANE Select); coding-DNA position 19, C replaced by T.
Protein change: p.Leu7Phe; replaces leucine 7 with phenylalanine.
Molecular consequence: missense variant.
Genome position (GRCh38, 1-based): chr19:852,347, C>T. VCF-style: chr19-852347-C-T. GRCh37 (hg19) VCF-style: chr19-852347-C-T.
Other names: short protein forms L7F.
Identifiers: ClinVar variation 1061923 (VCV001061923.27), dbSNP rs771000673, ClinGen allele CA9025897.